The following is an entry in ClinVar:

ClinVar aggregate classification (germline): Uncertain significance. Review status: criteria provided, multiple submitters, no conflicts (2 of 4 stars). 2 submissions from 2 submitters: Uncertain significance (2). Last evaluated 2025-04-10.

Conditions:
Inborn genetic diseases. Identifiers: MedGen C0950123, MeSH D030342.

Allele frequency attached by ClinVar (database versions not stated): gnomAD exomes below 0.00001; ExAC 0.00001; gnomAD 0.00006; TOPMed 0.00010.
gnomAD v4.1: 11 of 1,579,966 alleles (0.0007%); highest among the groups gnomAD compares: Admixed American, 0.019%; no homozygotes.

Submissions (2):

GeneDx
Classification: Uncertain significance. Last evaluated: 2025-04-10. Review status: criteria provided, single submitter. Criteria: GeneDx Variant Classification Process June 2021. Collection method: clinical testing. Allele origin: germline. Affected: yes.
Comment: Not observed at significant frequency in large population cohorts (gnomAD); In silico analysis supports that this missense variant has a deleterious effect on protein structure/function; Has not been previously published as pathogenic or benign to our knowledge

Ambry Genetics
Classification: Uncertain significance for Inborn genetic diseases. Last evaluated: 2023-11-03. Review status: criteria provided, single submitter. Criteria: Ambry Variant Classification Scheme 2023. Collection method: clinical testing. Allele origin: germline.

NM_004713.6(NEMF):c.743T>C (p.Ile248Thr)

Gene: NEMF (nuclear export mediator factor; minus strand). Cytogenetic location: 14q21.3.
Variant type: single nucleotide variant.
Coding change: c.743T>C on transcript NM_004713.6 (MANE Select); coding-DNA position 743, T replaced by C.
Protein change: p.Ile248Thr; replaces isoleucine 248 with threonine.
Molecular consequence: missense variant.
Genome position (GRCh38, 1-based): chr14:49,832,270, A>G on the plus strand (T>C on the coding strand, the complement: NEMF is on the minus strand). VCF-style: chr14-49832270-A-G. GRCh37 (hg19) VCF-style: chr14-50298988-A-G.
Other names: c.743T>C, p.Ile248Thr (NM_001301732.3); c.743T>C (NM_004713.4); short protein forms I248T.
Identifiers: ClinVar variation 3193408 (VCV003193408.2), dbSNP rs771200910, ClinGen allele CA7175515.
Genomic context (GRCh38, chr14:49,832,270, plus strand): 5'-AGTATGTCTTCAACTGGTTTATCTGCTTCCAAGCTTGGTTTTATTTCTCTTTTCTGAATG[A>G]TATATCCCTACAAAAATGCAACATTAAAATCATTCCTATTCATAATTAACAAAGATTTAC-3'
Protein context (NP_004704.3, residues 238-258): TTSNFSGKGY[Ile248Thr]IQKREIKPSL